The following is an entry in ClinVar:

ClinVar aggregate classification (germline): Pathogenic. Review status: criteria provided, multiple submitters, no conflicts (2 of 4 stars). 2 submissions from 2 submitters: Pathogenic (2). Last evaluated 2026-06-02.

Conditions:
Inborn genetic diseases. Identifiers: MedGen C0950123, MeSH D030342.
Complex neurodevelopmental disorder. Identifiers: Orphanet 528084, MedGen C5568766, MONDO:0100038.
Developmental and epileptic encephalopathy, 11 (DEE11). Also called: Early infantile epileptic encephalopathy 11. Identifiers: Orphanet 1934, MedGen C3150987, MONDO:0013388, OMIM 613721.

Submissions (2):

Ambry Genetics
Classification: Pathogenic for Inborn genetic diseases. Last evaluated: 2026-06-02. Review status: criteria provided, single submitter. Criteria: Ambry Variant Classification Scheme 2023. Collection method: clinical testing. Allele origin: germline.
Comment: The c.1528C>T (p.Q510*) alteration, located in exon 11 (coding exon 10) of the SCN2A gene, consists of a C to T substitution at nucleotide position 1528. This changes the amino acid from a glutamine (Q) to a stop codon at amino acid position 510. This variant is expected to result in loss of function by premature protein truncation or nonsense-mediated mRNA decay. for SCN2A-related neurodevelopmental disorder; however, its clinical significance for SCN2A-related developmental and epileptic encephalopathy and SCN2A-related benign familial infantile seizures is uncertain. This variant was not reported in population-based cohorts in the Genome Aggregation Database (gnomAD). Based on the available evidence, this alteration is classified as pathogenic.

Kasturba Medical College, Manipal, Kasturba Medical College, Manipal, Manipal Academy of Higher Education, Manipal, India
Classification: Pathogenic for Developmental and epileptic encephalopathy, 11. Last evaluated: 2026-01-14. Review status: criteria provided, single submitter. Criteria: ACMG Guidelines, 2015. Collection method: research. Allele origin: de novo. Inheritance: Autosomal dominant inheritance. Affected: yes. Observed: 1 heterozygote.
Comment: This variant is absent in homozygous and/or heterozygous state in the population database gnomAD (v4.1.0) and our in-house database of 3673 exomes. This variant is predicted to introduce a premature termination codon in the transcript which may likely lead to nonsense mediated mRNA decay or the formation of a truncated SCN2A protein. The same variant is reported in ClinVar as likely pathogenic by a single submitter (ClinVar Accession: VCV000984829.2).

NM_001040142.2(SCN2A):c.1528C>T (p.Gln510Ter)

Gene: SCN2A (sodium voltage-gated channel alpha subunit 2; plus strand). Cytogenetic location: 2q24.3.
Variant type: single nucleotide variant.
Coding change: c.1528C>T on transcript NM_001040142.2 (MANE Select); coding-DNA position 1528, C replaced by T.
Protein change: p.Gln510Ter; replaces glutamine 510 with a stop codon.
Molecular consequence: nonsense.
Genome position (GRCh38, 1-based): chr2:165,315,615, C>T. VCF-style: chr2-165315615-C-T. GRCh37 (hg19) VCF-style: chr2-166172125-C-T.
Other names: c.1528C>T, p.Gln510Ter (NM_001040143.2, NM_001371246.1, NM_001371247.1 and 1 more transcripts); short protein forms Q510*.
Identifiers: ClinVar variation 984829 (VCV000984829.4), dbSNP rs1553569659, ClinGen allele CA349023360.